The following is an entry in ClinVar:

NM_000124.4(ERCC6):c.2081C>T (p.Pro694Leu)

Gene: ERCC6 (ERCC excision repair 6, chromatin remodeling factor; minus strand). Cytogenetic location: 10q11.23.
Variant type: single nucleotide variant.
Coding change: c.2081C>T on transcript NM_000124.4 (MANE Select); coding-DNA position 2081, C replaced by T.
Protein change: p.Pro694Leu; replaces proline 694 with leucine.
Molecular consequence: missense variant.
Genome position (GRCh38, 1-based): chr10:49,482,775, G>A on the plus strand (C>T on the coding strand, the complement: ERCC6 is on the minus strand). VCF-style: chr10-49482775-G-A. GRCh37 (hg19) VCF-style: chr10-50690821-G-A.
Other names: c.2081C>T, p.Pro694Leu (NM_001346440.2); short protein forms P694L.
Identifiers: ClinVar variation 879261 (VCV000879261.13), dbSNP rs114852424, ClinGen allele CA5495772.

ClinVar aggregate classification (germline): Uncertain significance. Review status: criteria provided, multiple submitters, no conflicts (2 of 4 stars). 10 submissions from 8 submitters: Uncertain significance (10). Last evaluated 2026-09-22.

Conditions:
Lung cancer. Also called: Malignant tumor of lung; Lung cancer, somatic. Identifiers: MedGen C0242379, MONDO:0008903, OMIM 211980.
DE SANCTIS-CACCHIONE SYNDROME. Identifiers: MedGen C0265201, MONDO:0010217, OMIM 278800.
Premature ovarian failure 11 (POF11). Identifiers: MedGen C4310783, MONDO:0014843, OMIM 616946.
UV-sensitive syndrome 1 (UVSS1). Identifiers: Orphanet 178338, MedGen C3551173, MONDO:0010909, OMIM 600630.
Cockayne syndrome type 2 (CSB). Also called: Cockayne Syndrome, Type II; COCKAYNE SYNDROME B. Identifiers: Orphanet 191, Orphanet 90322, MedGen C0751038, MONDO:0019570, OMIM 133540.
Cerebrooculofacioskeletal syndrome 1 (COFS1). Also called: Cerebro-oculo-facio-skeletal syndrome 1. Identifiers: MedGen C0220722, MONDO:0008955, OMIM 214150.
Age related macular degeneration 5. Identifiers: MedGen C3151063, MONDO:0013409, OMIM 613761.
Inborn genetic diseases. Identifiers: MedGen C0950123, MeSH D030342.
ERCC6-related disorder. Also called: ERCC6-related condition; ERCC6-related disorders. Identifiers: MedGen CN239385.

Allele frequency attached by ClinVar (database versions not stated): ExAC 0.00012; gnomAD 0.00012; gnomAD exomes 0.00012 and 0.00021; TOPMed 0.00016; ESP Exome Variant Server 0.00038.
gnomAD v4.1: 324 of 1,613,470 alleles (0.02%); highest among the groups gnomAD compares: Non-Finnish European, 0.025%; no homozygotes.

Submissions (10):

PreventionGenetics, part of Exact Sciences
Classification: Uncertain significance for ERCC6-related condition. Last evaluated: 2026-09-22. Review status: criteria provided, single submitter. Criteria: ACMG Guidelines, 2015. Collection method: clinical testing. Allele origin: germline.
Comment: The ERCC6 c.2081C>T variant is predicted to result in the amino acid substitution p.Pro694Leu. To our knowledge, this variant has not been reported in the literature. This variant is reported in 0.020% of alleles in individuals of European (Non-Finnish) descent in gnomAD. At this time, the clinical significance of this variant is uncertain due to the absence of conclusive functional and genetic evidence.

Blueprint Genetics
Classification: Uncertain significance. Last evaluated: 2024-10-25. Review status: criteria provided, single submitter. Criteria: ACMG Guidelines, 2015. Collection method: clinical testing. Allele origin: germline.

GeneDx
Classification: Uncertain significance. Last evaluated: 2024-02-14. Review status: criteria provided, single submitter. Criteria: GeneDx Variant Classification Process June 2021. Collection method: clinical testing. Allele origin: germline. Affected: yes.
Comment: In silico analysis supports that this missense variant has a deleterious effect on protein structure/function; Has not been previously published as pathogenic or benign to our knowledge; This variant is associated with the following publications: (PMID: 35135151)

Department of Pathology and Laboratory Medicine, Sinai Health System
Classification: Uncertain significance for Cockayne syndrome type 2; Lung cancer; Cerebrooculofacioskeletal syndrome 1; DE SANCTIS-CACCHIONE SYNDROME; UV-sensitive syndrome 1; Premature ovarian failure 11. Last evaluated: 2023-03-20. Review status: criteria provided, single submitter. Criteria: ACMG Guidelines, 2015. Collection method: research. Allele origin: germline.

Labcorp Genetics (formerly Invitae), Labcorp
Classification: Uncertain significance. Last evaluated: 2022-08-21. Review status: criteria provided, single submitter. Criteria: Invitae Variant Classification Sherloc (09022015). Collection method: clinical testing. Allele origin: germline.
Comment: This sequence change replaces proline, which is neutral and non-polar, with leucine, which is neutral and non-polar, at codon 694 of the ERCC6 protein (p.Pro694Leu). This variant is present in population databases (rs114852424, gnomAD 0.02%). This variant has not been reported in the literature in individuals affected with ERCC6-related conditions. ClinVar contains an entry for this variant (Variation ID: 879261). Algorithms developed to predict the effect of missense changes on protein structure and function (SIFT, PolyPhen-2, Align-GVGD) all suggest that this variant is likely to be disruptive. In summary, the available evidence is currently insufficient to determine the role of this variant in disease. Therefore, it has been classified as a Variant of Uncertain Significance.

Revvity Omics, Revvity
Classification: Uncertain significance. Last evaluated: 2022-07-27. Review status: criteria provided, single submitter. Criteria: ACMG Guidelines, 2015. Collection method: clinical testing. Allele origin: germline.

Ambry Genetics
Classification: Uncertain significance for Inborn genetic diseases. Last evaluated: 2022-01-21. Review status: criteria provided, single submitter. Criteria: Ambry Variant Classification Scheme 2023. Collection method: clinical testing. Allele origin: germline.

Illumina Laboratory Services, Illumina
Classification: Uncertain significance for Age related macular degeneration 5. Last evaluated: 2018-01-13. Review status: criteria provided, single submitter. Criteria: ICSL Variant Classification Criteria 13 December 2019. Collection method: clinical testing. Allele origin: germline.

Illumina Laboratory Services, Illumina
Classification: Uncertain significance for Cockayne syndrome type 2. Last evaluated: 2018-01-13. Review status: criteria provided, single submitter. Criteria: ICSL Variant Classification Criteria 13 December 2019. Collection method: clinical testing. Allele origin: germline.

Illumina Laboratory Services, Illumina
Classification: Uncertain significance for Cerebrooculofacioskeletal syndrome 1. Last evaluated: 2018-01-13. Review status: criteria provided, single submitter. Criteria: ICSL Variant Classification Criteria 13 December 2019. Collection method: clinical testing. Allele origin: germline.